The following is an entry in ClinVar:

ClinVar aggregate classification (germline): Likely benign (1 of 4 stars; one submission).

Submission:

CeGaT Center for Human Genetics Tuebingen
Classification: Likely benign. Last evaluated: 2024-04-01. Review status: criteria provided, single submitter. Criteria: CeGaT Center For Human Genetics Tuebingen Variant Classification Criteria Version 2. Collection method: clinical testing. Allele origin: germline. Affected: yes. Observed: 1 variant allele.
Comment: KMT2C: BP4

NM_170606.3(KMT2C):c.2107C>G (p.His703Asp)

Gene: KMT2C (lysine methyltransferase 2C; minus strand). Cytogenetic location: 7q36.1.
Variant type: single nucleotide variant.
Coding change: c.2107C>G on transcript NM_170606.3 (MANE Select); coding-DNA position 2107, C replaced by G.
Protein change: p.His703Asp; replaces histidine 703 with aspartic acid.
Molecular consequence: missense variant.
Genome position (GRCh38, 1-based): chr7:152,248,327, G>C on the plus strand (C>G on the coding strand, the complement: KMT2C is on the minus strand). VCF-style: chr7-152248327-G-C. GRCh37 (hg19) VCF-style: chr7-151945412-G-C.
Other names: short protein forms H703D.
Identifiers: ClinVar variation 3234317 (VCV003234317.20), dbSNP rs1588570265, ClinGen allele CA370080645.